The following is an entry in ClinVar:

NM_000719.7(CACNA1C):c.2339+3A>T

Gene: CACNA1C (calcium voltage-gated channel subunit alpha1 C; plus strand). Cytogenetic location: 12p13.33.
Variant type: single nucleotide variant.
Coding change: c.2339+3A>T on transcript NM_000719.7 (MANE Select); 3 bases into the intron after coding-DNA position 2339, A replaced by T.
Molecular consequence: intron variant.
Genome position (GRCh38, 1-based): chr12:2,584,620, A>T. VCF-style: chr12-2584620-A-T. GRCh37 (hg19) VCF-style: chr12-2693786-A-T.
Other names: c.2339+3A>T (NM_001167624.3, NM_001167623.2, NM_001167625.2 and 18 more transcripts); c.2330+3A>T (NM_001129844.2).
Identifiers: ClinVar variation 4696628 (VCV004696628.1).

ClinVar aggregate classification (germline): Uncertain significance (1 of 4 stars; one submission).

Conditions:
Long QT syndrome (LQTS). Identifiers: MedGen C0023976, MeSH D008133, MONDO:0002442. Disease mechanism: loss of function. Inheritance: Various modes of inheritance.

gnomAD v4.1: 12 of 1,602,756 alleles (0.00075%); highest among the groups gnomAD compares: Non-Finnish European, 0.001%; no homozygotes.

Submission:

Labcorp Genetics (formerly Invitae), Labcorp
Classification: Uncertain significance for Long QT syndrome. Last evaluated: 2025-10-24. Review status: criteria provided, single submitter. Criteria: Invitae Variant Classification Sherloc (09022015). Collection method: clinical testing. Allele origin: germline.
Comment: This sequence change falls in intron 16 of the CACNA1C gene. It does not directly change the encoded amino acid sequence of the CACNA1C protein. It affects a nucleotide within the consensus splice site. This variant is not present in population databases (gnomAD no frequency). This variant has not been reported in the literature in individuals affected with CACNA1C-related conditions. Variants that disrupt the consensus splice site are a relatively common cause of aberrant splicing (PMID: 17576681, 9536098). Algorithms developed to predict the effect of sequence changes on RNA splicing suggest that this variant may disrupt the consensus splice site. In summary, the available evidence is currently insufficient to determine the role of this variant in disease. Therefore, it has been classified as a Variant of Uncertain Significance.

Literature cited by the submitters: PubMed 17576681; PubMed 9536098.